The following is an entry in ClinVar:

NM_005630.3(SLCO2A1):c.817T>C (p.Phe273Leu)

Gene: SLCO2A1 (solute carrier organic anion transporter family member 2A1; minus strand). Cytogenetic location: 3q22.1.
Variant type: single nucleotide variant.
Coding change: c.817T>C on transcript NM_005630.3 (MANE Select); coding-DNA position 817, T replaced by C.
Protein change: p.Phe273Leu; replaces phenylalanine 273 with leucine.
Molecular consequence: missense variant.
Genome position (GRCh38, 1-based): chr3:133,951,252, A>G on the plus strand (T>C on the coding strand, the complement: SLCO2A1 is on the minus strand). VCF-style: chr3-133951252-A-G. GRCh37 (hg19) VCF-style: chr3-133670096-A-G.
Other names: short protein forms F273L.
Identifiers: ClinVar variation 2180934 (VCV002180934.4), dbSNP rs2472460567, ClinGen allele CA354617399.
Genomic context (GRCh38, chr3:133,951,252, plus strand): 5'-GCTCTTGGAACCTTACCTTTGCTCCTATGGGCATTGCTCGAGGGAAGAAAAAAAAGGGGA[A>G]AGAGGTGAGAACCAATAAAGCTGAAGAAATGAGCAGGCCTAGCCACCAGGCTCCAATCCA-3'
Protein context (NP_005621.2, residues 263-283): ISSALLVLTS[Phe273Leu]PFFFFPRAMP

ClinVar aggregate classification (germline): Uncertain significance (1 of 4 stars; one submission).

Submission:

Labcorp Genetics (formerly Invitae), Labcorp
Classification: Uncertain significance. Last evaluated: 2024-09-23. Review status: criteria provided, single submitter. Criteria: Invitae Variant Classification Sherloc (09022015). Collection method: clinical testing. Allele origin: germline.
Comment: This sequence change replaces phenylalanine, which is neutral and non-polar, with leucine, which is neutral and non-polar, at codon 273 of the SLCO2A1 protein (p.Phe273Leu). This variant is not present in population databases (gnomAD no frequency). This variant has not been reported in the literature in individuals affected with SLCO2A1-related conditions. ClinVar contains an entry for this variant (Variation ID: 2180934). Invitae Evidence Modeling of protein sequence and biophysical properties (such as structural, functional, and spatial information, amino acid conservation, physicochemical variation, residue mobility, and thermodynamic stability) indicates that this missense variant is not expected to disrupt SLCO2A1 protein function with a negative predictive value of 80%. In summary, the available evidence is currently insufficient to determine the role of this variant in disease. Therefore, it has been classified as a Variant of Uncertain Significance.